The following is an entry in ClinVar:

ClinVar aggregate classification (germline): Uncertain significance (1 of 4 stars; one submission).

Conditions:
CBX2-related disorder. Also called: CBX2-related condition.

Submission:

PreventionGenetics, part of Exact Sciences
Classification: Uncertain significance for CBX2-related condition. Last evaluated: 2026-09-12. Review status: criteria provided, single submitter. Criteria: ACMG Guidelines, 2015. Collection method: clinical testing. Allele origin: germline.
Comment: The CBX2 c.406G>A variant is predicted to result in the amino acid substitution p.Gly136Ser. To our knowledge, this variant has not been reported in the literature. This variant is reported in 0.0% of alleles in individuals of African descent in gnomAD. At this time, the clinical significance of this variant is uncertain due to the absence of conclusive functional and genetic evidence.

NM_005189.3(CBX2):c.406G>A (p.Gly136Ser)

Gene: CBX2 (chromobox 2; plus strand). Cytogenetic location: 17q25.3.
Variant type: single nucleotide variant.
Coding change: c.406G>A on transcript NM_005189.3 (MANE Select); coding-DNA position 406, G replaced by A.
Protein change: p.Gly136Ser; replaces glycine 136 with serine.
Molecular consequence: missense variant.
Genome position (GRCh38, 1-based): chr17:79,783,849, G>A. VCF-style: chr17-79783849-G-A. GRCh37 (hg19) VCF-style: chr17-77757648-G-A.
Other names: short protein forms G136S.
Identifiers: ClinVar variation 4986634 (VCV004986634.1).
Genomic context (GRCh38, chr17:79,783,849, plus strand): 5'-TCCTCCTCTTCCTCAGATGAAGAGGATGACAGTGACTTAGATGCTAAGAGGGGTCCCCGG[G>A]GCCGCGAGACCCACCCAGTGCCGCAGAAGAAGGCCCAGATCCTGGTGGCCAAACCCGAGC-3'
Protein context (NP_005180.1, residues 126-146): SDLDAKRGPR[Gly136Ser]RETHPVPQKK